The following is an entry in ClinVar:

ClinVar aggregate classification (germline): Uncertain significance (1 of 4 stars; one submission).

Conditions:
Immunodeficiency, common variable, 7. Identifiers: Orphanet 1572, Orphanet 696894, MedGen C3542922, MONDO:0013862, OMIM 614699.

Allele frequency attached by ClinVar (database versions not stated): gnomAD 0.00001; TOPMed 0.00001.
gnomAD v4.1: 1 of 1,613,608 alleles (0.000062%); highest among the groups gnomAD compares: Admixed American, 0.0017%; no homozygotes.

Submission:

Labcorp Genetics (formerly Invitae), Labcorp
Classification: Uncertain significance for Immunodeficiency, common variable, 7. Last evaluated: 2024-02-17. Review status: criteria provided, single submitter. Criteria: Invitae Variant Classification Sherloc (09022015). Collection method: clinical testing. Allele origin: germline.
Comment: This sequence change replaces proline, which is neutral and non-polar, with serine, which is neutral and polar, at codon 912 of the CR2 protein (p.Pro912Ser). This variant is present in population databases (no rsID available, gnomAD 0.1%). This variant has not been reported in the literature in individuals affected with CR2-related conditions. ClinVar contains an entry for this variant (Variation ID: 1430520). Algorithms developed to predict the effect of missense changes on protein structure and function output the following: SIFT: "Not Available"; PolyPhen-2: "Benign"; Align-GVGD: "Not Available". The serine amino acid residue is found in multiple mammalian species, which suggests that this missense change does not adversely affect protein function. In summary, the available evidence is currently insufficient to determine the role of this variant in disease. Therefore, it has been classified as a Variant of Uncertain Significance.

NM_001006658.3(CR2):c.2734C>T (p.Pro912Ser)

Gene: CR2 (complement C3d receptor 2; plus strand). Cytogenetic location: 1q32.2.
Variant type: single nucleotide variant.
Coding change: c.2734C>T on transcript NM_001006658.3 (MANE Select); coding-DNA position 2734, C replaced by T.
Protein change: p.Pro912Ser; replaces proline 912 with serine.
Molecular consequence: missense variant.
Genome position (GRCh38, 1-based): chr1:207,476,251, C>T. VCF-style: chr1-207476251-C-T. GRCh37 (hg19) VCF-style: chr1-207649596-C-T.
Other names: c.2557C>T, p.Pro853Ser (NM_001877.5); short protein forms P912S, P853S.
Identifiers: ClinVar variation 1430520 (VCV001430520.8), dbSNP rs1490277692, ClinGen allele CA344539767.